The following is an entry in ClinVar:

NM_032444.4(SLX4):c.352C>G (p.Pro118Ala)

Gene: SLX4 (SLX4 structure-specific endonuclease subunit; minus strand). Cytogenetic location: 16p13.3.
Variant type: single nucleotide variant.
Coding change: c.352C>G on transcript NM_032444.4 (MANE Select); coding-DNA position 352, C replaced by G.
Protein change: p.Pro118Ala; replaces proline 118 with alanine.
Molecular consequence: missense variant.
Genome position (GRCh38, 1-based): chr16:3,608,613, G>C on the plus strand (C>G on the coding strand, the complement: SLX4 is on the minus strand). VCF-style: chr16-3608613-G-C. GRCh37 (hg19) VCF-style: chr16-3658614-G-C.
Other names: short protein forms P118A.
Identifiers: ClinVar variation 1034143 (VCV001034143.5), dbSNP rs1264184614, ClinGen allele CA394547409.
Genomic context (GRCh38, chr16:3,608,613, plus strand): 5'-TCACAGAGTGGGCCGGTTCACTTGCTTGCCATTTGGTTACCCTTTGCTTTTTAGTCCTAG[G>C]GGCCTGGCTGCCAGACGGAGGTTTCTTCTCTGCAGGGCCTTGAAGGGTTTTGGTCTTGGT-3'
Protein context (NP_115820.2, residues 108-128): EKKPPSGSQA[Pro118Ala]RTKKQRVTKW

ClinVar aggregate classification (germline): Uncertain significance. Review status: criteria provided, multiple submitters, no conflicts (2 of 4 stars). 2 submissions from 2 submitters: Uncertain significance (2). Last evaluated 2022-08-22.

Conditions:
Fanconi anemia (FA). Also called: Fanconi's anemia. Identifiers: Orphanet 84, MedGen C0015625, MeSH D005199, MONDO:0019391.
Fanconi anemia complementation group P. Also called: SLX4-Related Fanconi Anemia. Identifiers: Orphanet 84, MedGen C3469542, MONDO:0013499, OMIM 613951.

Allele frequency attached by ClinVar (database versions not stated): TOPMed 0.00001.

Submissions (2):

Labcorp Genetics (formerly Invitae), Labcorp
Classification: Uncertain significance for Fanconi anemia. Last evaluated: 2022-08-22. Review status: criteria provided, single submitter. Criteria: Invitae Variant Classification Sherloc (09022015). Collection method: clinical testing. Allele origin: germline.
Comment: This sequence change replaces proline, which is neutral and non-polar, with alanine, which is neutral and non-polar, at codon 118 of the SLX4 protein (p.Pro118Ala). This variant is not present in population databases (gnomAD no frequency). In summary, the available evidence is currently insufficient to determine the role of this variant in disease. Therefore, it has been classified as a Variant of Uncertain Significance. Algorithms developed to predict the effect of missense changes on protein structure and function (SIFT, PolyPhen-2, Align-GVGD) all suggest that this variant is likely to be tolerated. ClinVar contains an entry for this variant (Variation ID: 1034143). This variant has not been reported in the literature in individuals affected with SLX4-related conditions.

Baylor Genetics
Classification: Uncertain significance for Fanconi anemia complementation group P. Last evaluated: 2018-09-18. Review status: criteria provided, single submitter. Criteria: ACMG Guidelines, 2015. Collection method: clinical testing. Allele origin: maternal. Affected: yes.
Comment: This variant was determined to be of uncertain significance according to ACMG Guidelines, 2015 [PMID:25741868].